The following is an entry in ClinVar:

NM_000152.5(GAA):c.2385del (p.Glu795fs)

Gene: GAA (alpha glucosidase; plus strand). Cytogenetic location: 17q25.3.
Variant type: Deletion.
Coding change: c.2385del on transcript NM_000152.5 (MANE Select); coding-DNA position 2385, one base deleted (G; older notation c.2385delG).
Protein change: p.Glu795fs; shifts the reading frame from glutamic acid 795.
Molecular consequence: frameshift variant.
Genome position (GRCh38, 1-based): chr17:80,117,653, G deleted. VCF-style (leftmost placement, unchanged base first): chr17-80117652-AG-A. GRCh37 (hg19) VCF-style: chr17-78091451-AG-A.
Other names: NM_001079804.3:c.2385del; c.2385del, p.Glu795fs (NM_001079803.3, NM_001079804.3); short protein forms E795fs.
Identifiers: ClinVar variation 1327500 (VCV001327500.4), dbSNP rs2143924790, ClinGen allele CA658795288.

ClinVar aggregate classification (germline): Pathogenic. Review status: reviewed by expert panel (3 of 4 stars). 2 submissions from 2 submitters: Pathogenic (1). 1 of the submissions does not count toward it. Last evaluated 2021-08-19.

Conditions:
Glycogen storage disease, type II (IOPD). Also called: CARDIOMEGALIA GLYCOGENICA DIFFUSA; GLYCOGENOSIS, GENERALIZED, CARDIAC FORM; GSD II; POMPE DISEASE, INFANTILE-ONSET; GLYCOGEN STORAGE DISEASE II, INFANTILE-ONSET; ACID ALPHA-GLUCOSIDASE DEFICIENCY, INFANTILE-ONSET. Identifiers: Orphanet 365, MedGen C0017921, MONDO:0009290, OMIM 232300.

Submissions (2):

ClinGen Lysosomal Storage Disorder Variant Curation Expert Panel
Classification: Pathogenic for Glycogen storage disease, type II. Last evaluated: 2021-08-19. Review status: reviewed by expert panel. Criteria: clingen_lsd_acmg_specifications_v2-1. Collection method: curation. Allele origin: germline. Inheritance: Autosomal recessive inheritance.
Comment: The NM_000152.5(GAA):c.2385del (p.Glu795AspfsTer11) variant in GAA is a frameshift variant predicted to cause a premature stop codon in exon 17/20 and to lead to nonsense mediated decay in a gene in which loss-of-function is an established disease mechanism (PVS1). This variant is absent from gnomAD v2.1.1 (PM2_Supporting). One patient with late-onset Pompe disease has been reported with <1% normal GAA activity in fibroblasts (PMID: 21484825)(PP4_Supporting). This patient is compound heterozygous for the variant and c.2014C>T (p.Arg672Trp). The in trans data from this patient will be used in the assessment of p.Arg672Trp and is not included here in order to avoid circular logic. This variant is not in ClinVar. In summary, this variant meets the criteria to be classified as pathogenic for Pompe disease. GAA-specific ACMG/AMP criteria met, as specified by the ClinGen LSD VCP (Specification Version 2.0): PVS1, PP4_Moderate, PM2_Supporting. (Classification approved on August 17th, 2021)

Genomenon, Inc
Classification: Pathogenic for Glycogen storage disease, type II. Last evaluated: 2026-07-01. Review status: criteria provided, single submitter. Criteria: Genomenon Sequence Variant Interpretation Standards - Updated. Collection method: curation. Allele origin: germline. Affected: yes. Not counted in ClinVar's aggregate classification.
Comment: GAA p.Glu795AspfsTer11 (c.2385del) is a frameshift variant that is predicted to introduce a premature termination codon and result in a truncated or absent protein product. This variant has been observed in at least one proband with a GAA-related disorder (PMID:21484825). It is absent or not present at a significant frequency in gnomAD. In conclusion, we classify GAA p.Glu795AspfsTer11 (c.2385del) as a pathogenic variant.

Literature cited by the submitters: PubMed 21484825 (cited by Genomenon, Inc).